The following is an entry in ClinVar:

ClinVar aggregate classification (germline): Uncertain significance (1 of 4 stars; one submission).

Allele frequency attached by ClinVar (database versions not stated): ExAC 0.00001.

Submission:

GeneDx
Classification: Uncertain significance. Last evaluated: 2022-04-14. Review status: criteria provided, single submitter. Criteria: GeneDx Variant Classification Process June 2021. Collection method: clinical testing. Allele origin: germline. Affected: yes.
Comment: Not observed at significant frequency in large population cohorts (gnomAD); In silico analysis supports that this missense variant has a deleterious effect on protein structure/function; Has not been previously published as pathogenic or benign to our knowledge

NM_001081550.2(THOC2):c.1663C>T (p.Arg555Cys)

Gene: THOC2 (THO complex subunit 2; minus strand). Cytogenetic location: Xq25.
Variant type: single nucleotide variant.
Coding change: c.1663C>T on transcript NM_001081550.2 (MANE Select); coding-DNA position 1663, C replaced by T.
Protein change: p.Arg555Cys; replaces arginine 555 with cysteine.
Molecular consequence: missense variant.
Genome position (GRCh38, 1-based): chrX:123,640,621, G>A on the plus strand (C>T on the coding strand, the complement: THOC2 is on the minus strand). VCF-style: chrX-123640621-G-A. GRCh37 (hg19) VCF-style: chrX-122774472-G-A.
Other names: short protein forms R555C.
Identifiers: ClinVar variation 1712049 (VCV001712049.2), dbSNP rs748783494, ClinGen allele CA10507688.